The following is an entry in ClinVar:

NM_018136.5(ASPM):c.7074A>G (p.Lys2358=)

Gene: ASPM (assembly factor for spindle microtubules; minus strand). Cytogenetic location: 1q31.3.
Variant type: single nucleotide variant.
Coding change: c.7074A>G on transcript NM_018136.5 (MANE Select); coding-DNA position 7074, A replaced by G.
Protein change: p.Lys2358=; no amino-acid change (lysine 2358 retained).
Molecular consequence: synonymous variant. On other transcripts: intron variant (1).
Genome position (GRCh38, 1-based): chr1:197,102,177, T>C on the plus strand (A>G on the coding strand, the complement: ASPM is on the minus strand). VCF-style: chr1-197102177-T-C. GRCh37 (hg19) VCF-style: chr1-197071307-T-C.
Other names: c.4066-6013A>G (NM_001206846.2).
Identifiers: ClinVar variation 157863 (VCV000157863.12), dbSNP rs587783262, ClinGen allele CA271093.

ClinVar aggregate classification (germline): Conflicting classifications of pathogenicity. Review status: criteria provided, conflicting classifications (1 of 4 stars). 3 submissions from 3 submitters: Uncertain significance (1); Likely benign (1). 1 of the submissions does not count toward it. Last evaluated 2025-11-17.

Conditions:
ASPM-related disorder. Also called: ASPM-related condition.
Microcephaly 5, primary, autosomal recessive (MCPH5). Also called: ASPM Primary Microcephaly. Identifiers: Orphanet 2512, MedGen C1837501, MONDO:0012106, OMIM 608716.

Allele frequency attached by ClinVar (database versions not stated): gnomAD 0.00003 and 0.00004; gnomAD exomes 0.00003 and 0.00008; TOPMed 0.00006; ExAC 0.00002.
gnomAD v4.1: 126 of 1,612,706 alleles (0.0078%); highest among the groups gnomAD compares: Non-Finnish European, 0.01%; no homozygotes.

Submissions (3):

Labcorp Genetics (formerly Invitae), Labcorp
Classification: Likely benign. Last evaluated: 2025-11-17. Review status: criteria provided, single submitter. Criteria: Invitae Variant Classification Sherloc (09022015). Collection method: clinical testing. Allele origin: germline.

Genetic Services Laboratory, University of Chicago
Classification: Uncertain significance for Microcephaly 5, primary, autosomal recessive. Last evaluated: 2013-02-08. Review status: criteria provided, single submitter. Criteria: ACMG Guidelines, 2007. Collection method: clinical testing. Allele origin: germline. Inheritance: Autosomal recessive inheritance.

PreventionGenetics, part of Exact Sciences
Classification: Likely benign for ASPM-related condition. Last evaluated: 2020-04-01. Review status: no assertion criteria provided. Collection method: clinical testing. Allele origin: germline. Not counted in ClinVar's aggregate classification.
Comment: This variant is classified as likely benign based on ACMG/AMP sequence variant interpretation guidelines (Richards et al. 2015 PMID: 25741868, with internal and published modifications).